The following is an entry in ClinVar:

ClinVar aggregate classification (germline): Uncertain significance (1 of 4 stars; one submission).

Conditions:
Hereditary cancer-predisposing syndrome. Also called: Neoplastic Syndromes, Hereditary; Tumor predisposition; Hereditary neoplastic syndrome; Hereditary Cancer Syndrome. Identifiers: Orphanet 140162, MedGen C0027672, MeSH D009386, MONDO:0015356.

gnomAD v4.1: 1 of 1,613,482 alleles (0.000062%); highest among the groups gnomAD compares: Non-Finnish European, 0.000085%; no homozygotes.

Submission:

Ambry Genetics
Classification: Uncertain significance for Hereditary cancer-predisposing syndrome. Last evaluated: 2026-07-06. Review status: criteria provided, single submitter. Criteria: Ambry Variant Classification Scheme 2023. Collection method: clinical testing. Allele origin: germline.
Comment: The p.G881R variant (also known as c.2641G>A), located in coding exon 25 of the RB1 gene, results from a G to A substitution at nucleotide position 2641. The glycine at codon 881 is replaced by arginine, an amino acid with dissimilar properties. This amino acid position is conserved. In addition, this alteration is predicted to be deleterious by in silico analysis. Based on the available evidence, the clinical significance of this variant remains unclear.

NM_000321.3(RB1):c.2641G>A (p.Gly881Arg)

Gene: RB1 (RB transcriptional corepressor 1; plus strand). Cytogenetic location: 13q14.2.
Variant type: single nucleotide variant.
Coding change: c.2641G>A on transcript NM_000321.3 (MANE Select); coding-DNA position 2641, G replaced by A.
Protein change: p.Gly881Arg; replaces glycine 881 with arginine.
Molecular consequence: missense variant.
Genome position (GRCh38, 1-based): chr13:48,476,821, G>A. VCF-style: chr13-48476821-G-A. GRCh37 (hg19) VCF-style: chr13-49050957-G-A.
Other names: c.2641G>A, p.Gly881Arg (NM_001407165.1); c.91G>A, p.Gly31Arg (NM_001407168.1); short protein forms G881R, G31R.
Identifiers: ClinVar variation 5027935 (VCV005027935.1).